The following is an entry in ClinVar:

NM_001184880.2(PCDH19):c.617T>G (p.Phe206Cys)

Gene: PCDH19 (protocadherin 19; minus strand). Cytogenetic location: Xq22.1.
Variant type: single nucleotide variant.
Coding change: c.617T>G on transcript NM_001184880.2 (MANE Select); coding-DNA position 617, T replaced by G.
Protein change: p.Phe206Cys; replaces phenylalanine 206 with cysteine.
Molecular consequence: missense variant.
Genome position (GRCh38, 1-based): chrX:100,407,981, A>C on the plus strand (T>G on the coding strand, the complement: PCDH19 is on the minus strand). VCF-style: chrX-100407981-A-C. GRCh37 (hg19) VCF-style: chrX-99662979-A-C.
Other names: c.617T>G, p.Phe206Cys (NM_001105243.2, NM_020766.3); short protein forms F206C.
Identifiers: ClinVar variation 660888 (VCV000660888.9), dbSNP rs746274631, ClinGen allele CA10468968.

ClinVar aggregate classification (germline): Uncertain significance. Review status: criteria provided, multiple submitters, no conflicts (2 of 4 stars). 3 submissions from 3 submitters: Uncertain significance (3). Last evaluated 2025-04-02.

Conditions:
Developmental and epileptic encephalopathy, 9 (DEE9). Also called: EPILEPSY, FEMALE-RESTRICTED, WITH MENTAL RETARDATION; JUBERG-HELLMAN SYNDROME; PCDH19-Related X-Linked Female-Limited Epilepsy with Mental Retardation; Early infantile epileptic encephalopathy 9. Identifiers: Orphanet 101039, Orphanet 2076, MedGen C1848137, MONDO:0010246, OMIM 300088. Disease mechanism: loss of function.
Inborn genetic diseases. Identifiers: MedGen C0950123, MeSH D030342.

Allele frequency attached by ClinVar (database versions not stated): gnomAD exomes 0.00001; ExAC 0.00002; gnomAD 0.00005 and 0.00006; TOPMed 0.00005.
gnomAD v4.1: 19 of 1,207,420 alleles (0.0016%); highest among the groups gnomAD compares: East Asian, 0.003%; no homozygotes.

Submissions (3):

Labcorp Genetics (formerly Invitae), Labcorp
Classification: Uncertain significance for Developmental and epileptic encephalopathy, 9. Last evaluated: 2025-04-02. Review status: criteria provided, single submitter. Criteria: Invitae Variant Classification Sherloc (09022015). Collection method: clinical testing. Allele origin: germline.
Comment: This sequence change replaces phenylalanine, which is neutral and non-polar, with cysteine, which is neutral and slightly polar, at codon 206 of the PCDH19 protein (p.Phe206Cys). This variant is present in population databases (rs746274631, gnomAD 0.007%). This missense change has been observed in individual(s) with focal seizures and developmental delay (PMID: 20713952). ClinVar contains an entry for this variant (Variation ID: 660888). Invitae Evidence Modeling of protein sequence and biophysical properties (such as structural, functional, and spatial information, amino acid conservation, physicochemical variation, residue mobility, and thermodynamic stability) has been performed for this missense variant. However, the output from this modeling did not meet the statistical confidence thresholds required to predict the impact of this variant on PCDH19 protein function. In summary, the available evidence is currently insufficient to determine the role of this variant in disease. Therefore, it has been classified as a Variant of Uncertain Significance.

Ambry Genetics
Classification: Uncertain significance for Inborn genetic diseases. Last evaluated: 2024-09-17. Review status: criteria provided, single submitter. Criteria: Ambry Variant Classification Scheme 2023. Collection method: clinical testing. Allele origin: germline.

Neuberg Centre For Genomic Medicine, NCGM
Classification: Uncertain significance for Developmental and epileptic encephalopathy, 9. Review status: criteria provided, single submitter. Criteria: ACMG Guidelines, 2015. Collection method: clinical testing. Allele origin: germline. Inheritance: X-linked inheritance. Affected: yes.
Comment: This missense c.617T>G(p.Phe206Cys) variant in PCDH19 gene has been observed in an individual affected with focal seizures and developmental delay (Marini C et al, 2010). The observed variant has been submitted to ClinVar as a Variant of Uncertain Significance. The p.Phe206Cys variant is observed in 0.001% in gnomAD and is novel (not in any individuals) in 1000 Genomes. The amino acid Phe at position 206 is changed to a Cys changing protein sequence and it might alter its composition and physico-chemical properties. The variant is predicted to be damaging by both SIFT and PolyPhen2. The residue is conserved across species. The amino acid change p.Phe206Cys in PCDH19 is predicted as conserved by GERP++ and PhyloP across 100 vertebrates. For these reasons, this variant has been classified as Uncertain Significance

Literature cited by the submitters: PubMed 20713952 (cited by Labcorp Genetics (formerly Invitae), Labcorp and Ambry Genetics).